The following is an entry in ClinVar:

ClinVar aggregate classification (germline): Pathogenic (1 of 4 stars; one submission).

Conditions:
Niemann-Pick disease, type C1. Also called: NEUROVISCERAL STORAGE DISEASE WITH VERTICAL SUPRANUCLEAR OPHTHALMOPLEGIA; NIEMANN-PICK DISEASE WITH CHOLESTEROL ESTERIFICATION BLOCK; NIEMANN-PICK DISEASE WITHOUT SPHINGOMYELINASE DEFICIENCY; NIEMANN-PICK DISEASE, CHRONIC NEURONOPATHIC FORM; NIEMANN-PICK DISEASE, VARIANT TYPE C1. Identifiers: Orphanet 646, MedGen C3179455, MONDO:0009757, OMIM 257220.

Submission:

Labcorp Genetics (formerly Invitae), Labcorp
Classification: Pathogenic for Niemann-Pick disease, type C1. Last evaluated: 2023-06-29. Review status: criteria provided, single submitter. Criteria: Invitae Variant Classification Sherloc (09022015). Collection method: clinical testing. Allele origin: germline.
Comment: For these reasons, this variant has been classified as Pathogenic. Algorithms developed to predict the effect of sequence changes on RNA splicing suggest that this variant may disrupt the consensus splice site. Disruption of this splice site has been observed in individuals with Niemann-Pick type C disease (PMID: 11479732, 31296176). This variant is not present in population databases (gnomAD no frequency). This sequence change affects a donor splice site in intron 23 of the NPC1 gene. It is expected to disrupt RNA splicing. Variants that disrupt the donor or acceptor splice site typically lead to a loss of protein function (PMID: 16199547), and loss-of-function variants in NPC1 are known to be pathogenic (PMID: 9211850).

Literature cited by the submitters: PubMed 11479732; PubMed 31296176; PubMed 16199547; PubMed 9211850.

NM_000271.5(NPC1):c.3591+2T>G

Gene: NPC1 (NPC intracellular cholesterol transporter 1; minus strand). Cytogenetic location: 18q11.2.
Variant type: single nucleotide variant.
Coding change: c.3591+2T>G on transcript NM_000271.5 (MANE Select); the canonical splice donor site of the intron after coding-DNA position 3591, T replaced by G.
Molecular consequence: splice donor variant.
Genome position (GRCh38, 1-based): chr18:23,534,444, A>C on the plus strand (T>G on the coding strand, the complement: NPC1 is on the minus strand). VCF-style: chr18-23534444-A-C. GRCh37 (hg19) VCF-style: chr18-21114408-A-C.
Identifiers: ClinVar variation 2785832 (VCV002785832.3), dbSNP rs1555631888, ClinGen allele CA401790857.